The following is an entry in ClinVar:

ClinVar aggregate classification (germline): Benign (1 of 4 stars; one submission).

Conditions:
Holoprosencephaly 11 (HPE11). Identifiers: Orphanet 2162, MedGen C3280215, MONDO:0013642, OMIM 614226.

Allele frequency attached by ClinVar (database versions not stated): 1000 Genomes Project 30x 0.00250; 1000 Genomes Project 0.00260; TOPMed 0.00223; gnomAD 0.00181 and 0.00191.

Submission:

Illumina Laboratory Services, Illumina
Classification: Benign for Holoprosencephaly 11. Last evaluated: 2018-01-13. Review status: criteria provided, single submitter. Criteria: ICSL Variant Classification Criteria 13 December 2019. Collection method: clinical testing. Allele origin: germline.
Comment: This variant was observed in the ICSL laboratory as part of a predisposition screen in an ostensibly healthy population. It had not been previously curated by ICSL or reported in the Human Gene Mutation Database (HGMD: prior to June 1st, 2018), and was therefore a candidate for classification through an automated scoring system. Utilizing variant allele frequency, disease prevalence and penetrance estimates, and inheritance mode, an automated score was calculated to assess if this variant is too frequent to cause the disease. Based on the score and internal cut-off values, a variant classified as benign is not then subjected to further curation. The score for this variant resulted in a classification of benign for this disease.

NM_001378964.1(CDON):c.*2291T>C

Gene: CDON (cell adhesion associated, oncogene regulated; minus strand). Cytogenetic location: 11q24.2.
Variant type: single nucleotide variant.
Coding change: c.*2291T>C on transcript NM_001378964.1 (MANE Select); 2291 bases downstream of the stop codon, T replaced by C.
Molecular consequence: 3 prime UTR variant.
Genome position (GRCh38, 1-based): chr11:125,958,651, A>G on the plus strand (T>C on the coding strand, the complement: CDON is on the minus strand). VCF-style: chr11-125958651-A-G. GRCh37 (hg19) VCF-style: chr11-125828546-A-G.
Other names: c.*2291T>C (NM_001243597.3, NM_016952.6).
Identifiers: ClinVar variation 303443 (VCV000303443.5), dbSNP rs192250689, ClinGen allele CA10638357.